The following is an entry in ClinVar:

NM_002693.3(POLG):c.2497_2507dup (p.Tyr837fs)

Gene: POLG (DNA polymerase gamma, catalytic subunit; minus strand). Cytogenetic location: 15q26.1.
Variant type: Duplication.
Coding change: c.2497_2507dup on transcript NM_002693.3 (MANE Select); coding-DNA positions 2497 to 2507, 11 bases duplicated (GAGGAAGGCCT).
Protein change: p.Tyr837fs; shifts the reading frame from tyrosine 837.
Molecular consequence: frameshift variant.
Genome position (GRCh38, 1-based): chr15:89,321,827-89,321,837, AGGCCTTCCTC duplicated on the plus strand (GAGGAAGGCCT on the coding strand, the reverse complement: POLG is on the minus strand); duplicating any 11 consecutive bases within chr15:89,321,827-89,321,838 gives the same sequence; the c. name uses the placement nearest the transcript's 3' end. VCF-style (leftmost placement, unchanged base first): chr15-89321826-G-GAGGCCTTCCTC. GRCh37 (hg19) VCF-style: chr15-89865057-G-GAGGCCTTCCTC.
Other names: c.2497_2507dup, p.Tyr837fs (NM_001126131.2); short protein forms Y837fs.
Identifiers: ClinVar variation 5016095 (VCV005016095.1).

ClinVar aggregate classification (germline): Pathogenic (1 of 4 stars; one submission).

Conditions:
POLG-related disorder. Also called: POLG-Related Spectrum Disorders; POLG-related condition; POLG-Related Disorders. Identifiers: MedGen C4763519.

Submission:

Myriad Genetics, Inc.
Classification: Pathogenic for POLG-related disorder. Last evaluated: 2026-06-29. Review status: criteria provided, single submitter. Criteria: Myriad Autosomal Dominant, Autosomal Recessive and X-Linked Classification Criteria (2023). Collection method: clinical testing. Allele origin: unknown.
Comment: NM_002693.2(POLG):c.2497_2507dup11(Y837Rfs*13) is expected to be pathogenic in the context of POLG-related disorders. This variant is predicted to lead to an abnormal or absent protein product due to the creation of a premature termination codon in POLG, a gene where loss-of-function variants are known to be pathogenic. Please note: this variant was assessed in the context of healthy population screening.